The following is an entry in ClinVar:

NM_201384.3(PLEC):c.6931A>T (p.Met2311Leu)

Gene: PLEC (plectin; minus strand). Cytogenetic location: 8q24.3.
Variant type: single nucleotide variant.
Coding change: c.6931A>T on transcript NM_201384.3 (MANE Select); coding-DNA position 6931, A replaced by T.
Protein change: p.Met2311Leu; replaces methionine 2311 with leucine.
Molecular consequence: missense variant. On other transcripts: intron variant (1).
Genome position (GRCh38, 1-based): chr8:143,922,998, T>A on the plus strand (A>T on the coding strand, the complement: PLEC is on the minus strand). VCF-style: chr8-143922998-T-A. GRCh37 (hg19) VCF-style: chr8-144997166-T-A.
Other names: c.4126-603A>T (NM_001410941.1); c.7012A>T, p.Met2338Leu (NM_000445.5); c.6889A>T, p.Met2297Leu (NM_201378.4); c.6865A>T, p.Met2289Leu (NM_201379.3); c.7342A>T, p.Met2448Leu (NM_201380.4); c.6835A>T, p.Met2279Leu (NM_201381.3); c.6931A>T, p.Met2311Leu (NM_201382.4); c.6943A>T, p.Met2315Leu (NM_201383.3); short protein forms M2289L, M2448L, M2279L, M2297L, M2311L, M2315L, M2338L.
Identifiers: ClinVar variation 2595098 (VCV002595098.26), dbSNP rs1756996507, ClinGen allele CA372531413.

ClinVar aggregate classification (germline): Uncertain significance. Review status: criteria provided, multiple submitters, no conflicts (2 of 4 stars). 2 submissions from 2 submitters: Uncertain significance (2). Last evaluated 2023-06-29.

Conditions:
Inborn genetic diseases. Identifiers: MedGen C0950123, MeSH D030342.

gnomAD v4.1: 2 of 1,611,906 alleles (0.00012%); highest among the groups gnomAD compares: South Asian, 0.0011%; no homozygotes.

Submissions (2):

Ambry Genetics
Classification: Uncertain significance for Inborn genetic diseases. Last evaluated: 2023-06-29. Review status: criteria provided, single submitter. Criteria: Ambry Variant Classification Scheme 2023. Collection method: clinical testing. Allele origin: germline.

CeGaT Center for Human Genetics Tuebingen
Classification: Uncertain significance. Last evaluated: 2023-01-01. Review status: criteria provided, single submitter. Criteria: CeGaT Center For Human Genetics Tuebingen Variant Classification Criteria Version 2. Collection method: clinical testing. Allele origin: germline. Affected: yes. Observed: 1 variant allele.
Comment: PLEC: PM2, BP1